The following is an entry in ClinVar:

ClinVar aggregate classification (germline): Likely benign (1 of 4 stars; one submission).

Conditions:
Aromatase deficiency. Also called: Increased aromatase activity; PSEUDOHERMAPHRODITISM, FEMALE, DUE TO PLACENTAL AROMATASE DEFICIENCY. Identifiers: Orphanet 91, MedGen C1960539, MONDO:0013301, OMIM 613546.

Allele frequency attached by ClinVar (database versions not stated): 1000 Genomes Project 0.00180; 1000 Genomes Project 30x 0.00203; gnomAD 0.00382 and 0.00419; TOPMed 0.00440.

Submission:

Illumina Laboratory Services, Illumina
Classification: Likely benign for Aromatase deficiency. Last evaluated: 2018-01-12. Review status: criteria provided, single submitter. Criteria: ICSL Variant Classification Criteria 13 December 2019. Collection method: clinical testing. Allele origin: germline.
Comment: This variant was observed in the ICSL laboratory as part of a predisposition screen in an ostensibly healthy population. It had not been previously curated by ICSL or reported in the Human Gene Mutation Database (HGMD: prior to June 1st, 2018), and was therefore a candidate for classification through an automated scoring system. Utilizing variant allele frequency, disease prevalence and penetrance estimates, and inheritance mode, an automated score was calculated to assess if this variant is too frequent to cause the disease. Based on the score and internal cut-off values, a variant classified as likely benign is not then subjected to further curation. The score for this variant resulted in a classification of likely benign for this disease.

NM_000103.4(CYP19A1):c.*2632T>C

Genes: CYP19A1 (cytochrome P450 family 19 subfamily A member 1; minus strand), MIR4713HG (MIR4713 host gene; plus strand), PIRC66 (piwi-interacting RNA cluster 66; plus strand). Cytogenetic location: 15q21.2.
Variant type: single nucleotide variant.
Coding change: c.*2632T>C on transcript NM_000103.4 (MANE Select); 2632 bases downstream of the stop codon, T replaced by C.
Molecular consequence: 3 prime UTR variant.
Genome position (GRCh38, 1-based): chr15:51,208,176, A>G on the plus strand (T>C on the coding strand, the complement: CYP19A1 is on the minus strand). VCF-style: chr15-51208176-A-G. GRCh37 (hg19) VCF-style: chr15-51500373-A-G.
Other names: c.*2632T>C (NM_001347248.1, NM_001347249.2, NM_001347250.2 and 7 more transcripts).
Identifiers: ClinVar variation 887215 (VCV000887215.4), dbSNP rs28757213, ClinGen allele CA270547346.